The following is an entry in ClinVar:

ClinVar aggregate classification (germline): Conflicting classifications of pathogenicity. Review status: criteria provided, conflicting classifications (1 of 4 stars). 2 submissions from 2 submitters: Pathogenic (1); Uncertain significance (1). Last evaluated 2024-11-15.

Conditions:
Inborn genetic diseases. Identifiers: MedGen C0950123, MeSH D030342.

Submissions (2):

GeneDx
Classification: Pathogenic. Last evaluated: 2024-11-15. Review status: criteria provided, single submitter. Criteria: GeneDx Variant Classification Process June 2021. Collection method: clinical testing. Allele origin: germline. Affected: yes.
Comment: Not observed at significant frequency in large population cohorts (gnomAD); In silico analysis supports that this missense variant has a deleterious effect on protein structure/function; This variant is associated with the following publications: (PMID: 37762002)

Ambry Genetics
Classification: Uncertain significance for Inborn genetic diseases. Last evaluated: 2022-05-09. Review status: criteria provided, single submitter. Criteria: Ambry Variant Classification Scheme 2023. Collection method: clinical testing. Allele origin: germline.

NM_014225.6(PPP2R1A):c.61C>T (p.Arg21Cys)

Gene: PPP2R1A (protein phosphatase 2 scaffold subunit Aalpha; plus strand). Cytogenetic location: 19q13.41.
Variant type: single nucleotide variant.
Coding change: c.61C>T on transcript NM_014225.6 (MANE Select); coding-DNA position 61, C replaced by T.
Protein change: p.Arg21Cys; replaces arginine 21 with cysteine.
Molecular consequence: missense variant. On other transcripts: non-coding transcript variant (1).
Genome position (GRCh38, 1-based): chr19:52,190,157, C>T. VCF-style: chr19-52190157-C-T. GRCh37 (hg19) VCF-style: chr19-52693410-C-T.
Other names: short protein forms R21C.
Identifiers: ClinVar variation 2288085 (VCV002288085.3), dbSNP rs2514067613, ClinGen allele CA407178607.